The following is an entry in ClinVar:

NM_001084.5(PLOD3):c.1935+5G>A

Gene: PLOD3 (procollagen-lysine,2-oxoglutarate 5-dioxygenase 3; minus strand). Cytogenetic location: 7q22.1.
Variant type: single nucleotide variant.
Coding change: c.1935+5G>A on transcript NM_001084.5 (MANE Select); 5 bases into the intron after coding-DNA position 1935, G replaced by A.
Molecular consequence: intron variant.
Genome position (GRCh38, 1-based): chr7:101,207,573, C>T on the plus strand (G>A on the coding strand, the complement: PLOD3 is on the minus strand). VCF-style: chr7-101207573-C-T. GRCh37 (hg19) VCF-style: chr7-100850854-C-T.
Identifiers: ClinVar variation 4693950 (VCV004693950.1).

ClinVar aggregate classification (germline): Uncertain significance (1 of 4 stars; one submission).

Submission:

Labcorp Genetics (formerly Invitae), Labcorp
Classification: Uncertain significance. Last evaluated: 2025-12-10. Review status: criteria provided, single submitter. Criteria: Invitae Variant Classification Sherloc (09022015). Collection method: clinical testing. Allele origin: germline.
Comment: This sequence change falls in intron 17 of the PLOD3 gene. It does not directly change the encoded amino acid sequence of the PLOD3 protein. It affects a nucleotide within the consensus splice site. This variant is present in population databases (rs772709044, gnomAD 0.003%). This variant has not been reported in the literature in individuals affected with PLOD3-related conditions. Variants that disrupt the consensus splice site are a relatively common cause of aberrant splicing (PMID: 17576681, 9536098). Algorithms developed to predict the effect of sequence changes on RNA splicing suggest that this variant may disrupt the consensus splice site. In summary, the available evidence is currently insufficient to determine the role of this variant in disease. Therefore, it has been classified as a Variant of Uncertain Significance.

Literature cited by the submitters: PubMed 17576681; PubMed 9536098.